The following is an entry in ClinVar:

NM_144670.6(A2ML1):c.2243G>A (p.Gly748Glu)

Gene: A2ML1 (alpha-2-macroglobulin like 1; plus strand). Cytogenetic location: 12p13.31.
Variant type: single nucleotide variant.
Coding change: c.2243G>A on transcript NM_144670.6 (MANE Select); coding-DNA position 2243, G replaced by A.
Protein change: p.Gly748Glu; replaces glycine 748 with glutamic acid.
Molecular consequence: missense variant.
Genome position (GRCh38, 1-based): chr12:8,851,792, G>A. VCF-style: chr12-8851792-G-A. GRCh37 (hg19) VCF-style: chr12-9004388-G-A.
Other names: c.770G>A, p.Gly257Glu (NM_001282424.3); short protein forms G748E, G257E.
Identifiers: ClinVar variation 241889 (VCV000241889.16), dbSNP rs74582459, ClinGen allele CA6435965.

ClinVar aggregate classification (germline): Benign/Likely benign. Review status: criteria provided, multiple submitters, no conflicts (2 of 4 stars). 5 submissions from 5 submitters: Benign (3); Likely benign (1). 1 of the submissions does not count toward it. Last evaluated 2026-01-18.

Conditions:
A2ML1-related disorder. Also called: A2ML1-related condition.

Allele frequency attached by ClinVar (database versions not stated): ESP Exome Variant Server 0.00008; gnomAD 0.00063 and 0.00101; gnomAD exomes 0.00071 and 0.00148; TOPMed 0.00099; ExAC 0.00159; 1000 Genomes Project 30x 0.00593; 1000 Genomes Project 0.00619.
gnomAD v4.1: 1,226 of 1,614,036 alleles (0.076%); highest among the groups gnomAD compares: East Asian, 2.3%; 11 homozygotes.

Submissions (5):

Labcorp Genetics (formerly Invitae), Labcorp
Classification: Benign. Last evaluated: 2026-01-18. Review status: criteria provided, single submitter. Criteria: Invitae Variant Classification Sherloc (09022015). Collection method: clinical testing. Allele origin: germline.

Blueprint Genetics
Classification: Likely benign. Last evaluated: 2024-11-18. Review status: criteria provided, single submitter. Criteria: ACMG Guidelines, 2015. Collection method: clinical testing. Allele origin: germline.

Women's Health and Genetics/Laboratory Corporation of America, LabCorp
Classification: Benign. Last evaluated: 2020-03-02. Review status: criteria provided, single submitter. Criteria: LabCorp Variant Classification Summary - May 2015. Collection method: clinical testing. Allele origin: germline.
Comment: Variant summary: A2ML1 c.2243G>A (p.Gly748Glu) results in a non-conservative amino acid change located in the Alpha-2-macroglobulin domain (IPR001599) of the encoded protein sequence. Four of five in-silico tools predict a damaging effect of the variant on protein function. The variant allele was found at a frequency of 0.0015 in 249342 control chromosomes, predominantly at a frequency of 0.019 within the East Asian subpopulation in the gnomAD database, including 2 homozygotes. The observed variant frequency within East Asian control individuals in the gnomAD database is approximately 4750 fold of the estimated maximal expected allele frequency for a pathogenic variant in A2ML1 causing Noonan Syndrome phenotype (4e-06), strongly suggesting that the variant is a benign polymorphism found primarily in populations of East Asian origin. To our knowledge, no occurrence of c.2243G>A in individuals affected with Noonan Syndrome and no experimental evidence demonstrating its impact on protein function have been reported. Two ClinVar submitters (evaluation after 2014) cite the variant as benign. Based on the evidence outlined above, the variant was classified as benign.

GeneDx
Classification: Benign. Last evaluated: 2018-02-12. Review status: criteria provided, single submitter. Criteria: GeneDx Variant Classification (06012015). Collection method: clinical testing. Allele origin: germline. Affected: yes.
Comment: This variant is considered likely benign or benign based on one or more of the following criteria: it is a conservative change, it occurs at a poorly conserved position in the protein, it is predicted to be benign by multiple in silico algorithms, and/or has population frequency not consistent with disease.

PreventionGenetics, part of Exact Sciences
Classification: Benign for A2ML1-related condition. Last evaluated: 2021-04-15. Review status: no assertion criteria provided. Collection method: clinical testing. Allele origin: germline. Not counted in ClinVar's aggregate classification.
Comment: This variant is classified as benign based on ACMG/AMP sequence variant interpretation guidelines (Richards et al. 2015 PMID: 25741868, with internal and published modifications).